The following is an entry in ClinVar:

ClinVar aggregate classification (germline): Uncertain significance (1 of 4 stars; one submission).

Conditions:
Aortic aneurysm, familial thoracic 7 (AAT7). Also called: AORTIC DISSECTION, FAMILIAL, WITH OR WITHOUT AORTIC ANEURYSM. Identifiers: MedGen C3151077, MONDO:0013418, OMIM 613780.

Submission:

Centre for Mendelian Genomics, University Medical Centre Ljubljana
Classification: Uncertain significance for Aortic aneurysm, familial thoracic 7. Last evaluated: 2019-11-13. Review status: criteria provided, single submitter. Criteria: ACMG Guidelines, 2015. Collection method: clinical testing. Allele origin: unknown. Affected: yes.
Comment: This variant was classified as: Uncertain significance. The available evidence on this variant's pathogenicity is insufficient or conflicting. The following ACMG criteria were applied in classifying this variant: PM2.

NM_053025.4(MYLK):c.3874G>C (p.Gly1292Arg)

Gene: MYLK (myosin light chain kinase; minus strand). Cytogenetic location: 3q21.1.
Variant type: single nucleotide variant.
Coding change: c.3874G>C on transcript NM_053025.4 (MANE Select); coding-DNA position 3874, G replaced by C.
Protein change: p.Gly1292Arg; replaces glycine 1292 with arginine.
Molecular consequence: missense variant.
Genome position (GRCh38, 1-based): chr3:123,664,216, C>G on the plus strand (G>C on the coding strand, the complement: MYLK is on the minus strand). VCF-style: chr3-123664216-C-G. GRCh37 (hg19) VCF-style: chr3-123383063-C-G.
Other names: c.3346G>C, p.Gly1116Arg (NM_001321309.2); c.3667G>C, p.Gly1223Arg (NM_053026.4, NM_053028.4); c.3874G>C, p.Gly1292Arg (NM_053027.4); short protein forms G1223R, G1292R, G1116R.
Identifiers: ClinVar variation 930790 (VCV000930790.3), dbSNP rs2059660021, ClinGen allele CA354229366.
Genomic context (GRCh38, chr3:123,664,216, plus strand): 5'-CCAGCAGTGTGTAGCAGCCGCAGTGCTCCTGGCGCGCGGCCAGGATGGTGAGCTTGCTGC[C>G]ATTCTCGCTGTTCTCCACCTTCATGTGCTCGCTTTCCTGGATCTAGGGGCGGAGGATGGA-3'
Protein context (NP_444253.3, residues 1282-1302): EHMKVENSEN[Gly1292Arg]SKLTILAARQ